The following is an entry in ClinVar:

ClinVar aggregate classification (germline): Uncertain significance (1 of 4 stars; one submission).

Submission:

Ambry Genetics
Classification: Uncertain significance. Last evaluated: 2023-02-12. Review status: criteria provided, single submitter. Criteria: Ambry Variant Classification Scheme 2023. Collection method: clinical testing. Allele origin: germline.
Comment: The p.P1023R variant (also known as c.3068C>G), located in coding exon 25 of the BUB1 gene, results from a C to G substitution at nucleotide position 3068. The proline at codon 1023 is replaced by arginine, an amino acid with dissimilar properties. This amino acid position is conserved. In addition, this alteration is predicted to be tolerated by in silico analysis. Since supporting evidence is limited at this time, the clinical significance of this alteration remains unclear.

NM_004336.5(BUB1):c.3068C>G (p.Pro1023Arg)

Gene: BUB1 (BUB1 mitotic checkpoint serine/threonine kinase; minus strand). Cytogenetic location: 2q13.
Variant type: single nucleotide variant.
Coding change: c.3068C>G on transcript NM_004336.5 (MANE Select); coding-DNA position 3068, C replaced by G.
Protein change: p.Pro1023Arg; replaces proline 1023 with arginine.
Molecular consequence: missense variant.
Genome position (GRCh38, 1-based): chr2:110,638,154, G>C on the plus strand (C>G on the coding strand, the complement: BUB1 is on the minus strand). VCF-style: chr2-110638154-G-C. GRCh37 (hg19) VCF-style: chr2-111395731-G-C.
Other names: c.3008C>G, p.Pro1003Arg (NM_001278616.2); c.2897C>G, p.Pro966Arg (NM_001278617.2); short protein forms P1003R, P966R, P1023R.
Identifiers: ClinVar variation 2451270 (VCV002451270.2), dbSNP rs2467963697, ClinGen allele CA348088635.